The following is an entry in ClinVar:

ClinVar aggregate classification (germline): Uncertain significance (1 of 4 stars; one submission).

Submission:

Labcorp Genetics (formerly Invitae), Labcorp
Classification: Uncertain significance. Last evaluated: 2024-08-11. Review status: criteria provided, single submitter. Criteria: Invitae Variant Classification Sherloc (09022015). Collection method: clinical testing. Allele origin: germline.
Comment: This sequence change replaces asparagine, which is neutral and polar, with histidine, which is basic and polar, at codon 162 of the ALPK3 protein (p.Asn162His). This variant is not present in population databases (gnomAD no frequency). This variant has not been reported in the literature in individuals affected with ALPK3-related conditions. ClinVar contains an entry for this variant (Variation ID: 1358680). An algorithm developed to predict the effect of missense changes on protein structure and function (PolyPhen-2) suggests that this variant is likely to be tolerated. In summary, the available evidence is currently insufficient to determine the role of this variant in disease. Therefore, it has been classified as a Variant of Uncertain Significance.

NC_000015.10:g.84817330A>C

Gene: ALPK3 (alpha kinase 3; plus strand). Cytogenetic location: 15q25.3.
Variant type: single nucleotide variant.
Genome position: GRCh38 VCF-style: chr15-84817330-A-C. GRCh37 (hg19) VCF-style: chr15-85360561-A-C.
Identifiers: ClinVar variation 1358680 (VCV001358680.8), dbSNP rs2141541996, ClinGen allele CA393369005.